The following is an entry in ClinVar:

NM_000426.4(LAMA2):c.302A>G (p.Asn101Ser)

Gene: LAMA2 (laminin subunit alpha 2; plus strand). Cytogenetic location: 6q22.33.
Variant type: single nucleotide variant.
Coding change: c.302A>G on transcript NM_000426.4 (MANE Select); coding-DNA position 302, A replaced by G.
Protein change: p.Asn101Ser; replaces asparagine 101 with serine.
Molecular consequence: missense variant.
Genome position (GRCh38, 1-based): chr6:129,059,802, A>G. VCF-style: chr6-129059802-A-G. GRCh37 (hg19) VCF-style: chr6-129380947-A-G.
Other names: c.302A>G, p.Asn101Ser (NM_001079823.2); c.302A>G (NM_000426.3); short protein forms N101S.
Identifiers: ClinVar variation 1487930 (VCV001487930.7), dbSNP rs1788765843, ClinGen allele CA365828810.
Genomic context (GRCh38, chr6:129,059,802, plus strand): 5'-ATCTTTTCTTCTTCCTTTCATATGATGCTGCTAACTCAATAGAGAGACACCCGATTACAA[A>G]TGCTATTGATGGAAAGAACACTTGGTGGCAGAGTCCCAGTATTAAGAATGGAATCGAATA-3'
Protein context (NP_000417.3, residues 91-111): SNPNQRHPIT[Asn101Ser]AIDGKNTWWQ

ClinVar aggregate classification (germline): Uncertain significance. Review status: criteria provided, multiple submitters, no conflicts (2 of 4 stars). 2 submissions from 2 submitters: Uncertain significance (2). Last evaluated 2025-01-21.

Conditions:
LAMA2-related muscular dystrophy (LAMA2-RD). Also called: Laminin alpha 2-related dystrophy. Identifiers: MedGen C5679788, MONDO:0100228.
Inborn genetic diseases. Identifiers: MedGen C0950123, MeSH D030342.

Allele frequency attached by ClinVar (database versions not stated): TOPMed below 0.00001.

Submissions (2):

Ambry Genetics
Classification: Uncertain significance for Inborn genetic diseases. Last evaluated: 2025-01-21. Review status: criteria provided, single submitter. Criteria: Ambry Variant Classification Scheme 2023. Collection method: clinical testing. Allele origin: germline.

Labcorp Genetics (formerly Invitae), Labcorp
Classification: Uncertain significance for LAMA2-related muscular dystrophy. Last evaluated: 2021-09-17. Review status: criteria provided, single submitter. Criteria: Invitae Variant Classification Sherloc (09022015). Collection method: clinical testing. Allele origin: germline.
Comment: This sequence change replaces asparagine with serine at codon 101 of the LAMA2 protein (p.Asn101Ser). The asparagine residue is weakly conserved and there is a small physicochemical difference between asparagine and serine. This variant is not present in population databases (ExAC no frequency). This variant has not been reported in the literature in individuals with LAMA2-related conditions. Algorithms developed to predict the effect of missense changes on protein structure and function are either unavailable or do not agree on the potential impact of this missense change (SIFT: "Tolerated"; PolyPhen-2: "Probably Damaging"; Align-GVGD: "Class C0"). In summary, the available evidence is currently insufficient to determine the role of this variant in disease. Therefore, it has been classified as a Variant of Uncertain Significance.